The following is an entry in ClinVar:

ClinVar aggregate classification (germline): Uncertain significance. Review status: criteria provided, multiple submitters, no conflicts (2 of 4 stars). 3 submissions from 3 submitters: Uncertain significance (2). 1 of the submissions does not count toward it. Last evaluated 2026-02-27.

Conditions:
Inborn genetic diseases. Identifiers: MedGen C0950123, MeSH D030342.
ITM2B-related disorder. Also called: ITM2B-related condition.

gnomAD v4.1: 15 of 1,535,558 alleles (0.00098%); highest among the groups gnomAD compares: Non-Finnish European, 0.0012%; no homozygotes.

Submissions (3):

PreventionGenetics, part of Exact Sciences
Classification: Uncertain significance for ITM2B-related condition. Last evaluated: 2026-02-27. Review status: criteria provided, single submitter. Criteria: ACMG Guidelines, 2015. Collection method: clinical testing. Allele origin: germline.
Comment: The ITM2B c.94G>T variant is predicted to result in the amino acid substitution p.Asp32Tyr. To our knowledge, this variant has not been reported in the literature. This variant is reported in 0.0017% of alleles in individuals of European (Non-Finnish) descent in gnomAD. At this time, the clinical significance of this variant is uncertain due to the absence of conclusive functional and genetic evidence.

Ambry Genetics
Classification: Uncertain significance for Inborn genetic diseases. Last evaluated: 2022-12-06. Review status: criteria provided, single submitter. Criteria: Ambry Variant Classification Scheme 2023. Collection method: clinical testing. Allele origin: germline.

Department of Pathology and Laboratory Medicine, Sinai Health System
Classification: Uncertain significance. Review status: no assertion criteria provided. Collection method: clinical testing. Allele origin: unknown. Affected: yes. Study: The Canadian Open Genetics Repository (COGR). Not counted in ClinVar's aggregate classification.
Comment: The ITM2B p.Asp32Tyr variant was not identified in the literature nor was it identified in ClinVar or LOVD 3.0. The variant was identified in dbSNP (ID: rs1335111071) and in control databases in 1 of 141598 chromosomes at a frequency of 0.000007062 (Genome Aggregation Database March 6, 2019, v2.1.1). The variant was observed in the European (non-Finnish) population in 1 of 57644 chromosomes (freq: 0.000017), but was not observed in the African, Latino, Ashkenazi Jewish, East Asian, European (Finnish), Other, or South Asian populations. The p.Asp32 residue is conserved in mammals and computational analyses (PolyPhen-2, SIFT, AlignGVGD, BLOSUM, MutationTaster) provide inconsistent predictions regarding the impact to the protein; this information is not very predictive of pathogenicity. The variant occurs outside of the splicing consensus sequence and in silico or computational prediction software programs (SpliceSiteFinder, MaxEntScan, NNSPLICE, GeneSplicer) do not predict a difference in splicing. In summary, based on the above information the clinical significance of this variant cannot be determined with certainty at this time. This variant is classified as a variant of uncertain significance.

NM_021999.5(ITM2B):c.94G>T (p.Asp32Tyr)

Genes: ITM2B (integral membrane protein 2B; plus strand), LOC130009752 (ATAC-STARR-seq lymphoblastoid silent region 5332; plus strand). Cytogenetic location: 13q14.2.
Variant type: single nucleotide variant.
Coding change: c.94G>T on transcript NM_021999.5 (MANE Select); coding-DNA position 94, G replaced by T.
Protein change: p.Asp32Tyr; replaces aspartic acid 32 with tyrosine.
Molecular consequence: missense variant.
Genome position (GRCh38, 1-based): chr13:48,233,454, G>T. VCF-style: chr13-48233454-G-T. GRCh37 (hg19) VCF-style: chr13-48807590-G-T.
Other names: c.94G>T (NM_021999.4); short protein forms D32Y.
Identifiers: ClinVar variation 1050169 (VCV001050169.6), dbSNP rs1335111071, ClinGen allele CA388250068.